The following is an entry in ClinVar:

NM_001003800.2(BICD2):c.2106+3G>A

Gene: BICD2 (BICD cargo adaptor 2; minus strand). Cytogenetic location: 9q22.31.
Variant type: single nucleotide variant.
Coding change: c.2106+3G>A on transcript NM_001003800.2 (MANE Select); 3 bases into the intron after coding-DNA position 2106, G replaced by A.
Molecular consequence: intron variant.
Genome position (GRCh38, 1-based): chr9:92,718,536, C>T on the plus strand (G>A on the coding strand, the complement: BICD2 is on the minus strand). VCF-style: chr9-92718536-C-T. GRCh37 (hg19) VCF-style: chr9-95480818-C-T.
Other names: c.2106+3G>A (NM_015250.4).
Identifiers: ClinVar variation 840337 (VCV000840337.13), dbSNP rs370179608, ClinGen allele CA5126412.
Genomic context (GRCh38, chr9:92,718,536, plus strand): 5'-CAAGGGGGAAACACCCTTAGGCCAGTAGTAGGTGACATGTGCCCCTGCTGCCTGGCACCT[C>T]ACCTGCTTGTTGGCCTTGAGCACAGTGCGCAGCGTGGTGATCTGCTCCCGCTTGGTGCTG-3'

ClinVar aggregate classification (germline): Conflicting classifications of pathogenicity. Review status: criteria provided, conflicting classifications (1 of 4 stars). 4 submissions from 4 submitters: Uncertain significance (1); Likely benign (2). 1 of the submissions does not count toward it. Last evaluated 2024-10-23.

Conditions:
Inborn genetic diseases. Identifiers: MedGen C0950123, MeSH D030342.
BICD2-related disorder. Also called: BICD2-related condition.
Autosomal dominant childhood-onset proximal spinal muscular atrophy with contractures (SMALED2A). Also called: SPINAL MUSCULAR ATROPHY, LOWER EXTREMITY-PREDOMINANT, 2A, CHILDHOOD ONSET, AUTOSOMAL DOMINANT; Spinal muscular atrophy, lower extremity-predominant, 2A, autosomal dominant. Identifiers: Orphanet 363447, Orphanet 363454, MedGen C4747715, MONDO:0014121, OMIM 615290.

Allele frequency attached by ClinVar (database versions not stated): TOPMed 0.00002; gnomAD 0.00003; ExAC 0.00004; gnomAD exomes 0.00004; ESP Exome Variant Server 0.00008.
gnomAD v4.1: 60 of 1,602,134 alleles (0.0037%); highest among the groups gnomAD compares: Middle Eastern, 0.042%; 1 homozygote.

Submissions (4):

Labcorp Genetics (formerly Invitae), Labcorp
Classification: Likely benign for Autosomal dominant childhood-onset proximal spinal muscular atrophy with contractures. Last evaluated: 2024-10-23. Review status: criteria provided, single submitter. Criteria: Invitae Variant Classification Sherloc (09022015). Collection method: clinical testing. Allele origin: germline.

Blueprint Genetics
Classification: Likely benign. Last evaluated: 2023-12-07. Review status: criteria provided, single submitter. Criteria: ACMG Guidelines, 2015. Collection method: clinical testing. Allele origin: germline.

Ambry Genetics
Classification: Uncertain significance for Inborn genetic diseases. Last evaluated: 2021-06-08. Review status: criteria provided, single submitter. Criteria: Ambry Variant Classification Scheme 2023. Collection method: clinical testing. Allele origin: germline.
Comment: The c.2106+3G>A intronic variant results from a G to A substitution 3 nucleotides after coding exon 5 in the BICD2 gene. This nucleotide position is not well conserved in available vertebrate species. In silico splice site analysis predicts that this alteration will not have any significant effect on splicing. Since supporting evidence is limited at this time, the clinical significance of this alteration remains unclear.

PreventionGenetics, part of Exact Sciences
Classification: Likely benign for BICD2-related condition. Last evaluated: 2019-08-01. Review status: no assertion criteria provided. Collection method: clinical testing. Allele origin: germline. Not counted in ClinVar's aggregate classification.
Comment: This variant is classified as likely benign based on ACMG/AMP sequence variant interpretation guidelines (Richards et al. 2015 PMID: 25741868, with internal and published modifications).